The following is an entry in ClinVar:

ClinVar aggregate classification (germline): Pathogenic (1 of 4 stars; one submission).

Conditions:
Dyskeratosis congenita. Identifiers: Orphanet 1775, MedGen C0265965, MONDO:0015780.

gnomAD v4.1: 1 of 1,614,118 alleles (0.000062%); highest among the groups gnomAD compares: Admixed American, 0.0017%; no homozygotes.

Submission:

Labcorp Genetics (formerly Invitae), Labcorp
Classification: Pathogenic for Dyskeratosis congenita. Last evaluated: 2025-04-24. Review status: criteria provided, single submitter. Criteria: Invitae Variant Classification Sherloc (09022015). Collection method: clinical testing. Allele origin: germline.
Comment: This sequence change creates a premature translational stop signal (p.Gln640*) in the CTC1 gene. It is expected to result in an absent or disrupted protein product. Loss-of-function variants in CTC1 are known to be pathogenic (PMID: 22267198, 22387016). This variant is not present in population databases (gnomAD no frequency). This variant has not been reported in the literature in individuals affected with CTC1-related conditions. ClinVar contains an entry for this variant (Variation ID: 1439373). Algorithms developed to predict the effect of sequence changes on RNA splicing suggest that this variant may disrupt the consensus splice site. For these reasons, this variant has been classified as Pathogenic.

Literature cited by the submitters: PubMed 22267198; PubMed 22387016.

NM_025099.6(CTC1):c.1918C>T (p.Gln640Ter)

Gene: CTC1 (CST telomere replication complex component 1; minus strand). Cytogenetic location: 17p13.1.
Variant type: single nucleotide variant.
Coding change: c.1918C>T on transcript NM_025099.6 (MANE Select); coding-DNA position 1918, C replaced by T.
Protein change: p.Gln640Ter; replaces glutamine 640 with a stop codon.
Molecular consequence: nonsense. On other transcripts: non-coding transcript variant (1).
Genome position (GRCh38, 1-based): chr17:8,232,933, G>A on the plus strand (C>T on the coding strand, the complement: CTC1 is on the minus strand). VCF-style: chr17-8232933-G-A. GRCh37 (hg19) VCF-style: chr17-8136251-G-A.
Other names: short protein forms Q640*.
Identifiers: ClinVar variation 1439373 (VCV001439373.6), dbSNP rs2151512520, ClinGen allele CA397980413.